The following is an entry in ClinVar:

ClinVar aggregate classification (germline): Likely pathogenic. Review status: criteria provided, multiple submitters, no conflicts (2 of 4 stars). 6 submissions from 6 submitters: Likely pathogenic (5). 1 of the submissions does not count toward it. Last evaluated 2024-04-15.

Conditions:
Congenital neutropenia-myelofibrosis-nephromegaly syndrome. Also called: Severe congenital neutropenia 5, autosomal recessive. Identifiers: Orphanet 369852, MedGen C3809031, MONDO:0014118, OMIM 615285.

Allele frequency attached by ClinVar (database versions not stated): gnomAD 0.00001; gnomAD exomes 0.00001 and below 0.00001; ExAC 0.00001.
gnomAD v4.1: 4 of 1,605,722 alleles (0.00025%); highest among the groups gnomAD compares: African/African-American, 0.0014%; no homozygotes.

Submissions (6):

Fulgent Genetics
Classification: Likely pathogenic for Congenital neutropenia-myelofibrosis-nephromegaly syndrome. Last evaluated: 2024-04-15. Review status: criteria provided, single submitter. Criteria: ACMG Guidelines, 2015. Collection method: clinical testing. Allele origin: germline.

Natera, Inc.
Classification: Likely pathogenic for Autosomal recessive severe congenital neutropenia 5. Last evaluated: 2024-03-15. Review status: criteria provided, single submitter. Criteria: Natera Variant Classification Schema (03/2026). Collection method: clinical testing. Allele origin: germline.
Comment: The c.712G>A variant in VPS45 is a missense variant predicted to cause substitution of glutamic acid to lysine at amino acid 238. This variant is rare in the general population with a frequency below the threshold expected for the associated phenotype(s). This variant has been observed in one or more individuals affected with the associated recessive disease, as either homozygous or compound heterozygous with a second variant (PMID: 26358756). Additionally, this variant has been observed to segregate in affected family members (PMID: 23738510). Computational prediction algorithms indicate this variant is likely to affect gene or protein function. Given the available evidence, this variant is classified as Likely Pathogenic.

Labcorp Genetics (formerly Invitae), Labcorp
Classification: Likely pathogenic for Congenital neutropenia-myelofibrosis-nephromegaly syndrome. Last evaluated: 2023-02-14. Review status: criteria provided, single submitter. Criteria: Invitae Variant Classification Sherloc (09022015). Collection method: clinical testing. Allele origin: germline.
Comment: This sequence change replaces glutamic acid, which is acidic and polar, with lysine, which is basic and polar, at codon 238 of the VPS45 protein (p.Glu238Lys). This variant is present in population databases (rs782269909, gnomAD 0.009%). This missense change has been observed in individuals with VPS45 deficiency (PMID: 23738510, 26358756, 32037586). ClinVar contains an entry for this variant (Variation ID: 55907). Advanced modeling of protein sequence and biophysical properties (such as structural, functional, and spatial information, amino acid conservation, physicochemical variation, residue mobility, and thermodynamic stability) performed at Invitae indicates that this missense variant is expected to disrupt VPS45 protein function. Experimental studies have shown that this missense change affects VPS45 function (PMID: 23738510). In summary, the currently available evidence indicates that the variant is pathogenic, but additional data are needed to prove that conclusively. Therefore, this variant has been classified as Likely Pathogenic.

3billion
Classification: Likely pathogenic for Congenital neutropenia-myelofibrosis-nephromegaly syndrome. Last evaluated: 2022-09-01. Review status: criteria provided, single submitter. Criteria: ACMG Guidelines, 2015. Collection method: clinical testing. Allele origin: germline. Affected: yes. Observed: 1 homozygote.
Comment: The variant is observed at an extremely low frequency in the gnomAD v2.1.1 dataset (total allele frequency: <0.001%). Missense changes are a common disease-causing mechanism. In silico tool predictions suggest damaging effect of the variant on gene or gene product (REVEL: 0.91; 3Cnet: 0.44). Same nucleotide change resulting in same amino acid change has been previously reported to be associated with VPS45-related disorder (ClinVar ID: VCV000055907 / PMID: 26358756). A different missense change at the same codon (p.Glu238Gln) has been reported to be associated with VPS45-related disorder (PMID: 23738510). Therefore, this variant is classified as Likely pathogenic according to the recommendation of ACMG/AMP guideline.

Kariminejad - Najmabadi Pathology & Genetics Center
Classification: Likely pathogenic for Congenital neutropenia-myelofibrosis-nephromegaly syndrome. Review status: criteria provided, single submitter. Criteria: ACMG Guidelines, 2015. Collection method: clinical testing. Allele origin: germline. Affected: no.

OMIM
Classification: Pathogenic for NEUTROPENIA, SEVERE CONGENITAL, 5, AUTOSOMAL RECESSIVE. Last evaluated: 2013-07-04. Review status: no assertion criteria provided. Collection method: literature only. Allele origin: germline. Not counted in ClinVar's aggregate classification.

Literature cited by the submitters: PubMed 26358756 (cited by 3 submitters); PubMed 23738510 (cited by 4 submitters); PubMed 32037586 (cited by Labcorp Genetics (formerly Invitae), Labcorp).

NM_007259.5(VPS45):c.712G>A (p.Glu238Lys)

Gene: VPS45 (vacuolar protein sorting 45 homolog; plus strand). Cytogenetic location: 1q21.2.
Variant type: single nucleotide variant.
Coding change: c.712G>A on transcript NM_007259.5 (MANE Select); coding-DNA position 712, G replaced by A.
Protein change: p.Glu238Lys; replaces glutamic acid 238 with lysine.
Molecular consequence: missense variant. On other transcripts: non-coding transcript variant (1).
Genome position (GRCh38, 1-based): chr1:150,081,366, G>A. VCF-style: chr1-150081366-G-A. GRCh37 (hg19) VCF-style: chr1-150053448-G-A.
Other names: c.397G>A, p.Glu133Lys (NM_001279353.2); c.604G>A, p.Glu202Lys (NM_001279354.2); short protein forms E238K, E133K, E202K.
Identifiers: ClinVar variation 55907 (VCV000055907.11), dbSNP rs782269909, ClinGen allele CA1073223.